The following is an entry in ClinVar:

NM_002087.4(GRN):c.1690C>T (p.Arg564Cys)

Gene: GRN (granulin precursor; plus strand). Cytogenetic location: 17q21.31.
Variant type: single nucleotide variant.
Coding change: c.1690C>T on transcript NM_002087.4 (MANE Select); coding-DNA position 1690, C replaced by T.
Protein change: p.Arg564Cys; replaces arginine 564 with cysteine.
Molecular consequence: missense variant.
Genome position (GRCh38, 1-based): chr17:44,352,706, C>T. VCF-style: chr17-44352706-C-T. GRCh37 (hg19) VCF-style: chr17-42430074-C-T.
Other names: short protein forms R564C.
Identifiers: ClinVar variation 2201802 (VCV002201802.5), dbSNP rs200419979, ClinGen allele CA8602278.

ClinVar aggregate classification (germline): Uncertain significance. Review status: criteria provided, multiple submitters, no conflicts (2 of 4 stars). 2 submissions from 2 submitters: Uncertain significance (2). Last evaluated 2022-10-15.

Conditions:
GRN-related frontotemporal lobar degeneration with Tdp43 inclusions (FTD2). Also called: DEMENTIA, HEREDITARY DYSPHASIC DISINHIBITION; FRONTOTEMPORAL LOBAR DEGENERATION WITH UBIQUITIN-POSITIVE INCLUSIONS; FTLD-TDP, GRN-RELATED; GRN Frontotemporal Dementia; FRONTOTEMPORAL DEMENTIA WITH TDP43 INCLUSIONS, GRN-RELATED. Identifiers: Orphanet 100070, Orphanet 282, MedGen C1843792, MONDO:0011842, OMIM 607485. Disease mechanism: loss of function.
Neuronal ceroid lipofuscinosis 11. Also called: GRN-Related Neuronal Ceroid-Lipofuscinosis. Identifiers: Orphanet 314629, Orphanet 79262, MedGen C3539123, MONDO:0013866, OMIM 614706.

Allele frequency attached by ClinVar (database versions not stated): ExAC 0.00001; gnomAD 0.00001; gnomAD exomes 0.00001; TOPMed 0.00002; 1000 Genomes Project 30x 0.00016; 1000 Genomes Project 0.00020.
gnomAD v4.1: 22 of 1,610,766 alleles (0.0014%); highest among the groups gnomAD compares: East Asian, 0.0089%; no homozygotes.

Submissions (2):

Labcorp Genetics (formerly Invitae), Labcorp
Classification: Uncertain significance for Neuronal ceroid lipofuscinosis 11; GRN-related frontotemporal lobar degeneration with Tdp43 inclusions. Last evaluated: 2022-10-15. Review status: criteria provided, single submitter. Criteria: Invitae Variant Classification Sherloc (09022015). Collection method: clinical testing. Allele origin: germline.
Comment: In summary, the available evidence is currently insufficient to determine the role of this variant in disease. Therefore, it has been classified as a Variant of Uncertain Significance. Advanced modeling of protein sequence and biophysical properties (such as structural, functional, and spatial information, amino acid conservation, physicochemical variation, residue mobility, and thermodynamic stability) has been performed at Invitae for this missense variant, however the output from this modeling did not meet the statistical confidence thresholds required to predict the impact of this variant on GRN protein function. This missense change has been observed in individual(s) with clinical features of frontotemporal dementia (PMID: 18565828, 31182772). The frequency data for this variant in the population databases is considered unreliable, as metrics indicate poor data quality at this position in the gnomAD database. This sequence change replaces arginine, which is basic and polar, with cysteine, which is neutral and slightly polar, at codon 564 of the GRN protein (p.Arg564Cys).

Victorian Clinical Genetics Services, Murdoch Childrens Research Institute
Classification: Uncertain significance for GRN-related frontotemporal lobar degeneration with Tdp43 inclusions. Last evaluated: 2022-03-31. Review status: criteria provided, single submitter. Criteria: ACMG Guidelines, 2015. Collection method: clinical testing. Allele origin: germline. Inheritance: Autosomal dominant inheritance. Affected: yes.
Comment: Based on the classification scheme VCGS_Germline_v1.3.4, this variant is classified as VUS-3A. Following criteria are met: 0102 - Loss of function is a known mechanism of disease in this gene and is associated with neuronal ceroid lipofuscinosis 11 (MIM#614706), primary progressive aphasia (MIM#607485) and frontotemporal lobar degeneration with ubiquitin-positive inclusions (MIM#607485). (I) 0108 - This gene is associated with both recessive and dominant disease. The autosomal recessive inheritance disease, neuronal ceroid lipofuscinosis 11 (MIM#614706), is rare (OMIM). (I) 0112 - The condition associated with this gene has incomplete penetrance, where penetrance of frontotemporal dementia varies depending on age (PMIDs: 16950801, 20301545). (I) 0115 - Variants in this gene are known to have variable expressivity (PMID: 20301545). (I) 0200 - Variant is predicted to result in a missense amino acid change from arginine to cysteine. (I) 0251 - This variant is heterozygous. (I) 0304 - Variant is present in gnomAD (v2) <0.01 (3 heterozygotes, 0 homozygotes). (SP) 0309 - Alternative amino acid changes at the same position have been observed in gnomAD (v2 & v3) (p.(Arg564His): 3 heterozygotes, 0 homozygotes; p.(Arg564Leu): 3 heterozygotes, 0 homozygotes). (I) 0502 - Missense variant with conflicting in silico predictions and uninformative conservation. (I) 0600 - Variant is located in the annotated granulin domain (NCBI, PDB). (I) 0705 - No comparable missense variants have previous evidence for pathogenicity. An alternative amino acid change, p.(Arg564His) has been reported as a VUS (ClinVar, PMID: 32028661). (I) 0803 - This variant has limited previous evidence of pathogenicity in unrelated individuals. In addition, it has been reported as not pathogenic in a paper about neuronal ceroid lipofuscinosis (PMID: 27553520). (I) 0905 - No published segregation evidence has been identified for this variant. (I) 1001 - This variant has strong functional evidence supporting abnormal protein function. The serum PGRN level was reduced in an individual with Alzheimer's disease (PMID: 19288468). (SP) 1208 - Inheritance information for this variant is not currently available in this individual. (I) Legend: (SP) - Supporting pathogenic, (I) - Information, (SB) - Supporting benign

Literature cited by the submitters: PubMed 18565828 (cited by Labcorp Genetics (formerly Invitae), Labcorp and Victorian Clinical Genetics Services, Murdoch Childrens Research Institute); PubMed 31182772 (cited by Labcorp Genetics (formerly Invitae), Labcorp); PubMed 16950801 (cited by Victorian Clinical Genetics Services, Murdoch Childrens Research Institute); PubMed 19288468 (cited by Victorian Clinical Genetics Services, Murdoch Childrens Research Institute); PubMed 20301545 (cited by Victorian Clinical Genetics Services, Murdoch Childrens Research Institute); PubMed 20373362 (cited by Victorian Clinical Genetics Services, Murdoch Childrens Research Institute); PubMed 20582989 (cited by Victorian Clinical Genetics Services, Murdoch Childrens Research Institute); PubMed 27553520 (cited by Victorian Clinical Genetics Services, Murdoch Childrens Research Institute); PubMed 32028661 (cited by Victorian Clinical Genetics Services, Murdoch Childrens Research Institute).